The following is an entry in ClinVar:

NM_020806.5(GPHN):c.1678C>T (p.Arg560Cys)

Gene: GPHN (gephyrin; plus strand). Cytogenetic location: 14q23.3.
Variant type: single nucleotide variant.
Coding change: c.1678C>T on transcript NM_020806.5 (MANE Select); coding-DNA position 1678, C replaced by T.
Protein change: p.Arg560Cys; replaces arginine 560 with cysteine.
Molecular consequence: missense variant.
Genome position (GRCh38, 1-based): chr14:67,122,307, C>T. VCF-style: chr14-67122307-C-T. GRCh37 (hg19) VCF-style: chr14-67589024-C-T.
Other names: c.1579C>T, p.Arg527Cys (NM_001024218.2); c.1738C>T, p.Arg580Cys (NM_001377514.1); c.1708C>T, p.Arg570Cys (NM_001377515.1); c.1699C>T, p.Arg567Cys (NM_001377516.1); c.1651C>T, p.Arg551Cys (NM_001377517.1); c.1636C>T, p.Arg546Cys (NM_001377518.1); c.1618C>T, p.Arg540Cys (NM_001377519.1); short protein forms R560C, R527C, R540C, R546C, R551C, R567C, R570C, R580C.
Identifiers: ClinVar variation 575037 (VCV000575037.10), dbSNP rs1567363565, ClinGen allele CA390259182.

ClinVar aggregate classification (germline): Uncertain significance (1 of 4 stars; one submission).

Conditions:
Sulfite oxidase deficiency due to molybdenum cofactor deficiency type C. Also called: Molybdenum cofactor deficiency, complementation group C; Molybdenum cofactor deficiency C. Identifiers: Orphanet 308400, Orphanet 833, MedGen C1854990, MONDO:0014212, OMIM 615501.

Allele frequency attached by ClinVar (database versions not stated): gnomAD exomes below 0.00001; gnomAD 0.00001.
gnomAD v4.1: 4 of 1,612,598 alleles (0.00025%); highest among the groups gnomAD compares: Non-Finnish European, 0.00034%; no homozygotes.

Submission:

Labcorp Genetics (formerly Invitae), Labcorp
Classification: Uncertain significance for Sulfite oxidase deficiency due to molybdenum cofactor deficiency type C. Last evaluated: 2019-08-22. Review status: criteria provided, single submitter. Criteria: Invitae Variant Classification Sherloc (09022015). Collection method: clinical testing. Allele origin: germline.
Comment: This sequence change replaces arginine with cysteine at codon 560 of the GPHN protein (p.Arg560Cys). The arginine residue is moderately conserved and there is a large physicochemical difference between arginine and cysteine. This variant is not present in population databases (ExAC no frequency). This variant has not been reported in the literature in individuals with GPHN-related disease. Algorithms developed to predict the effect of missense changes on protein structure and function are either unavailable or do not agree on the potential impact of this missense change (SIFT: "Deleterious"; PolyPhen-2: "Probably Damaging"; Align-GVGD: "Class C0"). In summary, the available evidence is currently insufficient to determine the role of this variant in disease. Therefore, it has been classified as a Variant of Uncertain Significance.